The following is an entry in ClinVar:

NM_014862.4(ARNT2):c.1428C>T (p.Ala476=)

Gene: ARNT2 (aryl hydrocarbon receptor nuclear translocator 2; plus strand). Cytogenetic location: 15q25.1.
Variant type: single nucleotide variant.
Coding change: c.1428C>T on transcript NM_014862.4 (MANE Select); coding-DNA position 1428, C replaced by T.
Protein change: p.Ala476=; no amino-acid change (alanine 476 retained).
Molecular consequence: synonymous variant.
Genome position (GRCh38, 1-based): chr15:80,575,025, C>T. VCF-style: chr15-80575025-C-T. GRCh37 (hg19) VCF-style: chr15-80867366-C-T.
Identifiers: ClinVar variation 784685 (VCV000784685.10), dbSNP rs142796121, ClinGen allele CA7692036.
Genomic context (GRCh38, chr15:80,575,025, plus strand): 5'-GTTTTATTTAATGTGCAAATAGGTCCCCGTCCCCAACCTACCAGCCGGTGTTCATGAGGC[C>T]GGGAAGTCCGTGGAAAAGGCGGATGCAATCTTCTCCCAGGAAAGAGATCCTCGGTTTGCT-3'
Protein context (NP_055677.3, residues 466-486): VPNLPAGVHE[Ala476=]GKSVEKADAI

ClinVar aggregate classification (germline): Likely benign. Review status: criteria provided, single submitter (1 of 4 stars). 2 submissions from 2 submitters: Likely benign (1). 1 of the submissions does not count toward it. Last evaluated 2025-11-02.

Conditions:
ARNT2-related disorder. Also called: ARNT2-related condition.

Allele frequency attached by ClinVar (database versions not stated): ExAC 0.00008; gnomAD exomes 0.00008 and 0.00009; gnomAD 0.00009; TOPMed 0.00011; ESP Exome Variant Server 0.00015.
gnomAD v4.1: 151 of 1,614,032 alleles (0.0094%); highest among the groups gnomAD compares: Non-Finnish European, 0.012%; no homozygotes.

Submissions (2):

Labcorp Genetics (formerly Invitae), Labcorp
Classification: Likely benign. Last evaluated: 2025-11-02. Review status: criteria provided, single submitter. Criteria: Invitae Variant Classification Sherloc (09022015). Collection method: clinical testing. Allele origin: germline.

PreventionGenetics, part of Exact Sciences
Classification: Likely benign for ARNT2-related condition. Last evaluated: 2019-05-24. Review status: no assertion criteria provided. Collection method: clinical testing. Allele origin: germline. Not counted in ClinVar's aggregate classification.
Comment: This variant is classified as likely benign based on ACMG/AMP sequence variant interpretation guidelines (Richards et al. 2015 PMID: 25741868, with internal and published modifications).